The following is an entry in ClinVar:

NM_002500.5(NEUROD1):c.436G>A (p.Ala146Thr)

Gene: NEUROD1 (neuronal differentiation 1; minus strand). Cytogenetic location: 2q31.3.
Variant type: single nucleotide variant.
Coding change: c.436G>A on transcript NM_002500.5 (MANE Select); coding-DNA position 436, G replaced by A.
Protein change: p.Ala146Thr; replaces alanine 146 with threonine.
Molecular consequence: missense variant.
Genome position (GRCh38, 1-based): chr2:181,678,425, C>T on the plus strand (G>A on the coding strand, the complement: NEUROD1 is on the minus strand). VCF-style: chr2-181678425-C-T. GRCh37 (hg19) VCF-style: chr2-182543152-C-T.
Other names: short protein forms A146T.
Identifiers: ClinVar variation 4976020 (VCV004976020.1).

ClinVar aggregate classification (germline): Uncertain significance (1 of 4 stars; one submission).

Submission:

GeneDx
Classification: Uncertain significance. Last evaluated: 2026-02-06. Review status: criteria provided, single submitter. Criteria: GeneDx Variant Classification Process June 2021. Collection method: clinical testing. Allele origin: germline.
Comment: Not observed at significant frequency in large population cohorts (gnomAD); In silico analysis supports that this missense variant has a deleterious effect on protein structure/function; Has not been previously published as pathogenic or benign to our knowledge